The following is an entry in ClinVar:

NM_145239.3(PRRT2):c.359C>T (p.Ala120Val)

Genes: MVP-DT (MVP divergent transcript; minus strand), PRRT2 (proline rich transmembrane protein 2; plus strand). Cytogenetic location: 16p11.2.
Variant type: single nucleotide variant.
Coding change: c.359C>T on transcript NM_145239.3 (MANE Select); coding-DNA position 359, C replaced by T.
Protein change: p.Ala120Val; replaces alanine 120 with valine.
Molecular consequence: missense variant.
Genome position (GRCh38, 1-based): chr16:29,813,413, C>T. VCF-style: chr16-29813413-C-T. GRCh37 (hg19) VCF-style: chr16-29824734-C-T.
Other names: c.359C>T, p.Ala120Val (NM_001256442.2, NM_001256443.2); short protein forms A120V.
Identifiers: ClinVar variation 2183593 (VCV002183593.4), dbSNP rs1352512768, ClinGen allele CA395478358.

ClinVar aggregate classification (germline): Uncertain significance (1 of 4 stars; one submission).

Conditions:
Episodic kinesigenic dyskinesia (EKD). Also called: Paroxysmal kinesigenic dyskinesia. Identifiers: Orphanet 98809, MedGen C1868682, MONDO:0044202.

Allele frequency attached by ClinVar (database versions not stated): TOPMed below 0.00001; gnomAD 0.00001; gnomAD exomes 0.00002.
gnomAD v4.1: 25 of 1,614,058 alleles (0.0015%); highest among the groups gnomAD compares: Non-Finnish European, 0.002%; no homozygotes.

Submission:

Labcorp Genetics (formerly Invitae), Labcorp
Classification: Uncertain significance for Episodic kinesigenic dyskinesia. Last evaluated: 2025-08-25. Review status: criteria provided, single submitter. Criteria: Invitae Variant Classification Sherloc (09022015). Collection method: clinical testing. Allele origin: germline.
Comment: This sequence change replaces alanine, which is neutral and non-polar, with valine, which is neutral and non-polar, at codon 120 of the PRRT2 protein (p.Ala120Val). This variant is present in population databases (no rsID available, gnomAD 0.007%). This variant has not been reported in the literature in individuals affected with PRRT2-related conditions. ClinVar contains an entry for this variant (Variation ID: 2183593). Invitae Evidence Modeling of protein sequence and biophysical properties (such as structural, functional, and spatial information, amino acid conservation, physicochemical variation, residue mobility, and thermodynamic stability) indicates that this missense variant is not expected to disrupt PRRT2 protein function with a negative predictive value of 95%. In summary, the available evidence is currently insufficient to determine the role of this variant in disease. Therefore, it has been classified as a Variant of Uncertain Significance.